The following is an entry in ClinVar:

ClinVar aggregate classification (germline): Uncertain significance (1 of 4 stars; one submission).

gnomAD v4.1: 6 of 1,556,852 alleles (0.00039%); highest among the groups gnomAD compares: Admixed American, 0.0019%; no homozygotes.

Submission:

Labcorp Genetics (formerly Invitae), Labcorp
Classification: Uncertain significance. Last evaluated: 2025-09-15. Review status: criteria provided, single submitter. Criteria: Invitae Variant Classification Sherloc (09022015). Collection method: clinical testing. Allele origin: germline.
Comment: This sequence change replaces arginine, which is basic and polar, with glutamine, which is neutral and polar, at codon 155 of the FGFR3 protein (p.Arg155Gln). The frequency data for this variant in the population databases is considered unreliable, as metrics indicate poor data quality at this position in the gnomAD database. This variant has not been reported in the literature in individuals affected with FGFR3-related conditions. Invitae Evidence Modeling of protein sequence and biophysical properties (such as structural, functional, and spatial information, amino acid conservation, physicochemical variation, residue mobility, and thermodynamic stability) indicates that this missense variant is not expected to disrupt FGFR3 protein function with a negative predictive value of 95%. In summary, the available evidence is currently insufficient to determine the role of this variant in disease. Therefore, it has been classified as a Variant of Uncertain Significance.

NM_000142.5(FGFR3):c.464G>A (p.Arg155Gln)

Gene: FGFR3 (fibroblast growth factor receptor 3; plus strand). Cytogenetic location: 4p16.3.
Variant type: single nucleotide variant.
Coding change: c.464G>A on transcript NM_000142.5 (MANE Select); coding-DNA position 464, G replaced by A.
Protein change: p.Arg155Gln; replaces arginine 155 with glutamine.
Molecular consequence: missense variant. On other transcripts: non-coding transcript variant (1).
Genome position (GRCh38, 1-based): chr4:1,801,385, G>A. VCF-style: chr4-1801385-G-A. GRCh37 (hg19) VCF-style: chr4-1803112-G-A.
Other names: c.464G>A, p.Arg155Gln (NM_001163213.2, NM_001354809.2, NM_001354810.2 and 1 more transcripts); short protein forms R155Q.
Identifiers: ClinVar variation 4754375 (VCV004754375.1).